The following is an entry in ClinVar:

NM_015192.4(PLCB1):c.2614C>A (p.Pro872Thr)

Gene: PLCB1 (phospholipase C beta 1; plus strand). Cytogenetic location: 20p12.3.
Variant type: single nucleotide variant.
Coding change: c.2614C>A on transcript NM_015192.4 (MANE Select); coding-DNA position 2614, C replaced by A.
Protein change: p.Pro872Thr; replaces proline 872 with threonine.
Molecular consequence: missense variant.
Genome position (GRCh38, 1-based): chr20:8,757,136, C>A. VCF-style: chr20-8757136-C-A. GRCh37 (hg19) VCF-style: chr20-8737783-C-A.
Other names: c.2614C>A, p.Pro872Thr (NM_182734.3); short protein forms P872T.
Identifiers: ClinVar variation 956989 (VCV000956989.10), dbSNP rs769110563, ClinGen allele CA408207294.

ClinVar aggregate classification (germline): Uncertain significance (1 of 4 stars; one submission).

Conditions:
Developmental and epileptic encephalopathy, 12 (DEE12). Identifiers: MedGen C3150988, MONDO:0013389, OMIM 613722.

Submission:

Labcorp Genetics (formerly Invitae), Labcorp
Classification: Uncertain significance for Developmental and epileptic encephalopathy, 12. Last evaluated: 2019-07-21. Review status: criteria provided, single submitter. Criteria: Invitae Variant Classification Sherloc (09022015). Collection method: clinical testing. Allele origin: germline.
Comment: In summary, the available evidence is currently insufficient to determine the role of this variant in disease. Therefore, it has been classified as a Variant of Uncertain Significance. Algorithms developed to predict the effect of missense changes on protein structure and function (SIFT, PolyPhen-2, Align-GVGD) all suggest that this variant is likely to be tolerated, but these predictions have not been confirmed by published functional studies and their clinical significance is uncertain. This variant has not been reported in the literature in individuals with PLCB1-related conditions. This variant is not present in population databases (ExAC no frequency). This sequence change replaces proline with threonine at codon 872 of the PLCB1 protein (p.Pro872Thr). The proline residue is moderately conserved and there is a small physicochemical difference between proline and threonine.